The following is an entry in ClinVar:

NM_001081.4(CUBN):c.2322A>C (p.Leu774Phe)

Gene: CUBN (cubilin; minus strand). Cytogenetic location: 10p13.
Variant type: single nucleotide variant.
Coding change: c.2322A>C on transcript NM_001081.4 (MANE Select); coding-DNA position 2322, A replaced by C.
Protein change: p.Leu774Phe; replaces leucine 774 with phenylalanine.
Molecular consequence: missense variant.
Genome position (GRCh38, 1-based): chr10:17,071,951, T>G on the plus strand (A>C on the coding strand, the complement: CUBN is on the minus strand). VCF-style: chr10-17071951-T-G. GRCh37 (hg19) VCF-style: chr10-17113950-T-G.
Other names: short protein forms L774F.
Identifiers: ClinVar variation 2070974 (VCV002070974.4), dbSNP rs1407014431, ClinGen allele CA376160071.

ClinVar aggregate classification (germline): Uncertain significance (1 of 4 stars; one submission).

Conditions:
Imerslund-Grasbeck syndrome. Also called: Megaloblastic anemia due to inborn errors of metabolism; PERNICIOUS ANEMIA, JUVENILE, DUE TO SELECTIVE INTESTINAL MALABSORPTION OF VITAMIN B12, WITH PROTEINURIA; Imerslund-Gräsbeck syndrome; ENTEROCYTE COBALAMIN MALABSORPTION; ENTEROCYTE INTRINSIC FACTOR RECEPTOR, DEFECT OF. Identifiers: Orphanet 35858, MedGen C4551825, MONDO:0009853.

Allele frequency attached by ClinVar (database versions not stated): gnomAD exomes 0.00001; TOPMed 0.00001; gnomAD 0.00001.
gnomAD v4.1: 5 of 1,612,642 alleles (0.00031%); highest among the groups gnomAD compares: Non-Finnish European, 0.00042%; no homozygotes.

Submission:

Labcorp Genetics (formerly Invitae), Labcorp
Classification: Uncertain significance for Imerslund-Grasbeck syndrome. Last evaluated: 2024-03-11. Review status: criteria provided, single submitter. Criteria: Invitae Variant Classification Sherloc (09022015). Collection method: clinical testing. Allele origin: germline.
Comment: This sequence change replaces leucine, which is neutral and non-polar, with phenylalanine, which is neutral and non-polar, at codon 774 of the CUBN protein (p.Leu774Phe). This variant is not present in population databases (gnomAD no frequency). This variant has not been reported in the literature in individuals affected with CUBN-related conditions. ClinVar contains an entry for this variant (Variation ID: 2070974). Advanced modeling of protein sequence and biophysical properties (such as structural, functional, and spatial information, amino acid conservation, physicochemical variation, residue mobility, and thermodynamic stability) performed at Invitae indicates that this missense variant is not expected to disrupt CUBN protein function with a negative predictive value of 80%. In summary, the available evidence is currently insufficient to determine the role of this variant in disease. Therefore, it has been classified as a Variant of Uncertain Significance.